The following is an entry in ClinVar:

ClinVar aggregate classification (germline): Pathogenic (1 of 4 stars; one submission).

Conditions:
Hereditary cancer-predisposing syndrome. Also called: Hereditary Cancer Syndrome; Tumor predisposition; Hereditary neoplastic syndrome; Neoplastic Syndromes, Hereditary. Identifiers: Orphanet 140162, MedGen C0027672, MeSH D009386, MONDO:0015356.
Cardiovascular phenotype. Identifiers: MedGen CN230736.

Submission:

Ambry Genetics
Classification: Pathogenic for Cardiovascular phenotype; Hereditary cancer-predisposing syndrome. Last evaluated: 2024-12-06. Review status: criteria provided, single submitter. Criteria: Ambry Variant Classification Scheme 2023. Collection method: clinical testing. Allele origin: germline.
Comment: The c.176delC pathogenic mutation, located in coding exon 2 of the NF1 gene, results from a deletion of one nucleotide at nucleotide position 176, causing a translational frameshift with a predicted alternate stop codon (p.T59Ifs*4). This variant is considered to be rare based on population cohorts in the Genome Aggregation Database (gnomAD). This alteration is expected to result in loss of function by premature protein truncation or nonsense-mediated mRNA decay. As such, this alteration is interpreted as a disease-causing mutation.

NM_001042492.3(NF1):c.176del (p.Thr59fs)

Gene: NF1 (neurofibromin 1; plus strand). Cytogenetic location: 17q11.2.
Variant type: Deletion.
Coding change: c.176del on transcript NM_001042492.3 (MANE Select); coding-DNA position 176, one base deleted (C; older notation c.176delC).
Protein change: p.Thr59fs; shifts the reading frame from threonine 59.
Molecular consequence: frameshift variant.
Genome position (GRCh38, 1-based): chr17:31,156,098, C deleted. VCF-style (leftmost placement, unchanged base first): chr17-31156097-AC-A. GRCh37 (hg19) VCF-style: chr17-29483115-AC-A.
Other names: c.176delC, p.Thr59Ilefs (NM_000267.4); c.176del, p.Thr59fs (NM_001128147.3); c.176delC (NM_000267.3); short protein forms T59fs.
Identifiers: ClinVar variation 3404943 (VCV003404943.1).